The following is an entry in ClinVar:

NM_024649.5(BBS1):c.159+1G>T

Gene: BBS1 (Bardet-Biedl syndrome 1; plus strand). Cytogenetic location: 11q13.2.
Variant type: single nucleotide variant.
Coding change: c.159+1G>T on transcript NM_024649.5 (MANE Select); the canonical splice donor site of the intron after coding-DNA position 159, G replaced by T.
Molecular consequence: splice donor variant.
Genome position (GRCh38, 1-based): chr11:66,511,240, G>T. VCF-style: chr11-66511240-G-T. GRCh37 (hg19) VCF-style: chr11-66278711-G-T.
Identifiers: ClinVar variation 3639722 (VCV003639722.2).

ClinVar aggregate classification (germline): Likely pathogenic (1 of 4 stars; one submission).

Conditions:
Bardet-Biedl syndrome (BBS). Identifiers: Orphanet 110, MedGen C0752166, MONDO:0015229.

Submission:

Labcorp Genetics (formerly Invitae), Labcorp
Classification: Likely pathogenic for Bardet-Biedl syndrome. Last evaluated: 2024-02-08. Review status: criteria provided, single submitter. Criteria: Invitae Variant Classification Sherloc (09022015). Collection method: clinical testing. Allele origin: germline.
Comment: This sequence change affects a donor splice site in intron 3 of the BBS1 gene. It is expected to disrupt RNA splicing. Variants that disrupt the donor or acceptor splice site typically lead to a loss of protein function (PMID: 16199547), and loss-of-function variants in BBS1 are known to be pathogenic (PMID: 12118255, 21520335, 27032803). This variant is not present in population databases (gnomAD no frequency). This variant has not been reported in the literature in individuals affected with BBS1-related conditions. Algorithms developed to predict the effect of sequence changes on RNA splicing suggest that this variant may disrupt the consensus splice site. In summary, the currently available evidence indicates that the variant is pathogenic, but additional data are needed to prove that conclusively. Therefore, this variant has been classified as Likely Pathogenic.

Literature cited by the submitters: PubMed 16199547; PubMed 12118255; PubMed 21520335; PubMed 27032803.